The following is an entry in ClinVar:

ClinVar aggregate classification (germline): Likely benign. Review status: criteria provided, multiple submitters, no conflicts (2 of 4 stars). 3 submissions from 3 submitters: Likely benign (2). 1 of the submissions does not count toward it. Last evaluated 2025-12-03.

Conditions:
ATP2B2-related disorder. Also called: ATP2B2-related condition.

Allele frequency attached by ClinVar (database versions not stated): 1000 Genomes Project 0.00020; 1000 Genomes Project 30x 0.00031; TOPMed 0.00138; gnomAD 0.00164 and 0.00167; gnomAD exomes 0.00199 and 0.00203; ExAC 0.00225; ESP Exome Variant Server 0.00261.
gnomAD v4.1: 3,192 of 1,614,230 alleles (0.2%); highest among the groups gnomAD compares: Non-Finnish European, 0.23%; 9 homozygotes.

Submissions (3):

Labcorp Genetics (formerly Invitae), Labcorp
Classification: Likely benign. Last evaluated: 2025-12-03. Review status: criteria provided, single submitter. Criteria: Invitae Variant Classification Sherloc (09022015). Collection method: clinical testing. Allele origin: germline.

CeGaT Center for Human Genetics Tuebingen
Classification: Likely benign. Last evaluated: 2025-06-01. Review status: criteria provided, single submitter. Criteria: CeGaT Center For Human Genetics Tuebingen Variant Classification Criteria Version 2. Collection method: clinical testing. Allele origin: germline. Affected: yes. Observed: 3 variant alleles.
Comment: ATP2B2: BS1

PreventionGenetics, part of Exact Sciences
Classification: Likely benign for ATP2B2-related condition. Last evaluated: 2020-03-02. Review status: no assertion criteria provided. Collection method: clinical testing. Allele origin: germline. Not counted in ClinVar's aggregate classification.
Comment: This variant is classified as likely benign based on ACMG/AMP sequence variant interpretation guidelines (Richards et al. 2015 PMID: 25741868, with internal and published modifications).

NM_001001331.4(ATP2B2):c.1849G>A (p.Asp617Asn)

Gene: ATP2B2 (ATPase plasma membrane Ca2+ transporting 2; minus strand). Cytogenetic location: 3p25.3.
Variant type: single nucleotide variant.
Coding change: c.1849G>A on transcript NM_001001331.4 (MANE Select); coding-DNA position 1849, G replaced by A.
Protein change: p.Asp617Asn; replaces aspartic acid 617 with asparagine.
Molecular consequence: missense variant.
Genome position (GRCh38, 1-based): chr3:10,359,934, C>T on the plus strand (G>A on the coding strand, the complement: ATP2B2 is on the minus strand). VCF-style: chr3-10359934-C-T. GRCh37 (hg19) VCF-style: chr3-10401618-C-T.
Other names: c.1714G>A, p.Asp572Asn (NM_001330611.3, NM_001353564.1, NM_001363862.1 and 1 more transcripts); short protein forms D572N, D617N.
Identifiers: ClinVar variation 713342 (VCV000713342.33), dbSNP rs150683478, ClinGen allele CA2253568.